The following is an entry in ClinVar:

ClinVar aggregate classification (germline): Uncertain significance. Review status: criteria provided, multiple submitters, no conflicts (2 of 4 stars). 2 submissions from 2 submitters: Uncertain significance (2). Last evaluated 2025-09-23.

Conditions:
Dyskeratosis congenita, autosomal dominant 2. Identifiers: MedGen C3151443, MONDO:0013521, OMIM 613989.
Idiopathic Pulmonary Fibrosis. Also called: Idiopathic fibrosing alveolitis, chronic form; idiopathic fibrosing alveolitis. Identifiers: Orphanet 2032, MedGen C1800706, MeSH D054990, MONDO:0800504.
Dyskeratosis congenita. Identifiers: Orphanet 1775, MedGen C0265965, MONDO:0015780.

Allele frequency attached by ClinVar (database versions not stated): gnomAD exomes below 0.00001 and 0.00001.
gnomAD v4.1: 2 of 1,581,550 alleles (0.00013%); highest among the groups gnomAD compares: East Asian, 0.0023%; no homozygotes.

Submissions (2):

Ambry Genetics
Classification: Uncertain significance for Dyskeratosis congenita. Last evaluated: 2025-09-23. Review status: criteria provided, single submitter. Criteria: Ambry Variant Classification Scheme 2023. Collection method: clinical testing. Allele origin: germline.
Comment: The p.P246S variant (also known as c.736C>T), located in coding exon 2 of the TERT gene, results from a C to T substitution at nucleotide position 736. The proline at codon 246 is replaced by serine, an amino acid with similar properties. This amino acid position is not well conserved in available vertebrate species. In addition, this alteration is predicted to be tolerated by in silico analysis. Based on the available evidence, the clinical significance of this variant remains unclear.

Labcorp Genetics (formerly Invitae), Labcorp
Classification: Uncertain significance for Dyskeratosis congenita, autosomal dominant 2; Idiopathic Pulmonary Fibrosis. Last evaluated: 2025-03-10. Review status: criteria provided, single submitter. Criteria: Invitae Variant Classification Sherloc (09022015). Collection method: clinical testing. Allele origin: germline.
Comment: This sequence change replaces proline, which is neutral and non-polar, with serine, which is neutral and polar, at codon 246 of the TERT protein (p.Pro246Ser). The frequency data for this variant in the population databases is considered unreliable, as metrics indicate poor data quality at this position in the gnomAD database. This variant has not been reported in the literature in individuals affected with TERT-related conditions. ClinVar contains an entry for this variant (Variation ID: 576891). Invitae Evidence Modeling of protein sequence and biophysical properties (such as structural, functional, and spatial information, amino acid conservation, physicochemical variation, residue mobility, and thermodynamic stability) has been performed for this missense variant. However, the output from this modeling did not meet the statistical confidence thresholds required to predict the impact of this variant on TERT protein function. In summary, the available evidence is currently insufficient to determine the role of this variant in disease. Therefore, it has been classified as a Variant of Uncertain Significance.

NM_198253.3(TERT):c.736C>T (p.Pro246Ser)

Gene: TERT (telomerase reverse transcriptase; minus strand). Cytogenetic location: 5p15.33.
Variant type: single nucleotide variant.
Coding change: c.736C>T on transcript NM_198253.3 (MANE Select); coding-DNA position 736, C replaced by T.
Protein change: p.Pro246Ser; replaces proline 246 with serine.
Molecular consequence: missense variant. On other transcripts: non-coding transcript variant (2).
Genome position (GRCh38, 1-based): chr5:1,294,150, G>A on the plus strand (C>T on the coding strand, the complement: TERT is on the minus strand). VCF-style: chr5-1294150-G-A. GRCh37 (hg19) VCF-style: chr5-1294265-G-A.
Other names: c.736C>T, p.Pro246Ser (NM_001193376.3); short protein forms P246S.
Identifiers: ClinVar variation 576891 (VCV000576891.11), dbSNP rs1379205693, ClinGen allele CA359056926.
Genomic context (GRCh38, chr5:1,294,150, plus strand): 5'-TCGGTCCACGCGTCCTGCCCGGGTGGGCCCAGGACCCCTGCCCAACGGGCGTCCGCTCCG[G>A]CTCAGGGGCAGCGCCACGCCTGGGCCTCTTGGGCAACGGCAGACTTCGGCTGGCACTGCC-3'
Protein context (NP_937983.2, residues 236-256): KRPRRGAAPE[Pro246Ser]ERTPVGQGSW